The following is an entry in ClinVar:

NM_032520.5(GNPTG):c.470dup (p.Cys157fs)

Gene: GNPTG (N-acetylglucosamine-1-phosphate transferase subunit gamma; plus strand). Cytogenetic location: 16p13.3.
Variant type: Duplication.
Coding change: c.470dup on transcript NM_032520.5 (MANE Select); coding-DNA position 470, one base duplicated (G; older notation c.470dupG).
Protein change: p.Cys157fs; shifts the reading frame from cysteine 157.
Molecular consequence: frameshift variant.
Genome position (GRCh38, 1-based): chr16:1,362,264, G duplicated. VCF-style (leftmost placement, unchanged base first): chr16-1362263-T-TG. GRCh37 (hg19) VCF-style: chr16-1412264-T-TG.
Other names: short protein forms C157fs.
Identifiers: ClinVar variation 4816336 (VCV004816336.1).

ClinVar aggregate classification (germline): Likely pathogenic (1 of 4 stars; one submission).

Conditions:
GNPTG-mucolipidosis. Also called: ML III GAMMA; ML IIIC; MUCOLIPIDOSIS III, COMPLEMENTATION GROUP C; MUCOLIPIDOSIS III, IRANIAN VARIANT FORM; MUCOLIPIDOSIS III, VARIANT FORM; Mucolipidosis type III gamma. Identifiers: Orphanet 423470, Orphanet 577, MedGen C1854896, MONDO:0009652, OMIM 252605.

Submission:

Natera, Inc.
Classification: Likely pathogenic for Mucolipidosis III gamma. Last evaluated: 2024-10-09. Review status: criteria provided, single submitter. Criteria: Natera Variant Classification Schema (03/2026). Collection method: clinical testing. Allele origin: germline.
Comment: The c.470dup variant in GNPTG is a frameshift variant predicted to shift the reading frame beginning at codon 157 and leads to a stop codon 42 codons downstream. This variant is expected to result in nonsense mediated decay, truncation, or a dysfunctional protein product. This variant is rare in the general population with a frequency below the threshold expected for the associated phenotype(s). Given the available evidence, this variant is classified as Likely Pathogenic.